The following is an entry in ClinVar:

ClinVar aggregate classification (germline): Uncertain significance (1 of 4 stars; one submission).

Conditions:
Inborn genetic diseases. Identifiers: MedGen C0950123, MeSH D030342.

Submission:

Ambry Genetics
Classification: Uncertain significance for Inborn genetic diseases. Last evaluated: 2023-06-25. Review status: criteria provided, single submitter. Criteria: Ambry Variant Classification Scheme 2023. Collection method: clinical testing. Allele origin: germline.
Comment: The p.L2146V variant (also known as c.6436T>G), located in coding exon 44 of the LRRK2 gene, results from a T to G substitution at nucleotide position 6436. The leucine at codon 2146 is replaced by valine, an amino acid with highly similar properties. This amino acid position is conserved. In addition, this alteration is predicted to be tolerated by in silico analysis. Since supporting evidence is limited at this time, the clinical significance of this alteration remains unclear.

NM_198578.4(LRRK2):c.6436T>G (p.Leu2146Val)

Gene: LRRK2 (leucine rich repeat kinase 2; plus strand). Cytogenetic location: 12q12.
Variant type: single nucleotide variant.
Coding change: c.6436T>G on transcript NM_198578.4 (MANE Select); coding-DNA position 6436, T replaced by G.
Protein change: p.Leu2146Val; replaces leucine 2146 with valine.
Molecular consequence: missense variant.
Genome position (GRCh38, 1-based): chr12:40,351,593, T>G. VCF-style: chr12-40351593-T-G. GRCh37 (hg19) VCF-style: chr12-40745395-T-G.
Other names: short protein forms L2146V.
Identifiers: ClinVar variation 2624899 (VCV002624899.2), dbSNP rs2499981655, ClinGen allele CA384406661.